The following is an entry in ClinVar:

ClinVar aggregate classification (germline): Likely benign (1 of 4 stars; one submission).

gnomAD v4.1: 22 of 1,613,974 alleles (0.0014%); highest among the groups gnomAD compares: Non-Finnish European, 0.0018%; no homozygotes.

Submission:

Mayo Clinic Laboratories, Mayo Clinic
Classification: Likely benign. Last evaluated: 2025-07-14. Review status: criteria provided, single submitter. Criteria: ACMG Guidelines, 2015. Collection method: clinical testing. Allele origin: germline. Observed: 1 variant allele.
Comment: BS2, BP4_moderate

NM_015215.4(CAMTA1):c.1154C>T (p.Ala385Val)

Gene: CAMTA1 (calmodulin binding transcription activator 1; plus strand). Cytogenetic location: 1p36.23.
Variant type: single nucleotide variant.
Coding change: c.1154C>T on transcript NM_015215.4 (MANE Select); coding-DNA position 1154, C replaced by T.
Protein change: p.Ala385Val; replaces alanine 385 with valine.
Molecular consequence: missense variant.
Genome position (GRCh38, 1-based): chr1:7,663,701, C>T. VCF-style: chr1-7663701-C-T. GRCh37 (hg19) VCF-style: chr1-7723761-C-T.
Other names: p.Ala385Val; c.1064C>T, p.Ala355Val (NM_001349608.2, NM_001349612.2); c.1154C>T, p.Ala385Val (NM_001349609.2, NM_001349610.2, NM_001410737.1); c.1082C>T, p.Ala361Val (NM_001410738.1); short protein forms A355V, A361V, A385V.
Identifiers: ClinVar variation 4684556 (VCV004684556.1).